The following is an entry in ClinVar:

NM_000540.3(RYR1):c.12535C>T (p.Arg4179Cys)

Gene: RYR1 (ryanodine receptor 1; plus strand). Cytogenetic location: 19q13.2.
Variant type: single nucleotide variant.
Coding change: c.12535C>T on transcript NM_000540.3 (MANE Select); coding-DNA position 12535, C replaced by T.
Protein change: p.Arg4179Cys; replaces arginine 4179 with cysteine.
Molecular consequence: missense variant.
Genome position (GRCh38, 1-based): chr19:38,561,365, C>T. VCF-style: chr19-38561365-C-T. GRCh37 (hg19) VCF-style: chr19-39052005-C-T.
Other names: c.12520C>T, p.Arg4174Cys (NM_001042723.2); short protein forms R4174C, R4179C.
Identifiers: ClinVar variation 1482988 (VCV001482988.8), dbSNP rs2145831560, ClinGen allele CA405669545.

ClinVar aggregate classification (germline): Likely pathogenic (1 of 4 stars; one submission).

Conditions:
RYR1-related disorder. Also called: RYR1-related condition; RYR1-related disorders. Identifiers: MedGen CN239331.

Allele frequency attached by ClinVar (database versions not stated): gnomAD exomes below 0.00001.
gnomAD v4.1: 4 of 1,613,794 alleles (0.00025%); highest among the groups gnomAD compares: Non-Finnish European, 0.00034%; no homozygotes.

Submission:

Labcorp Genetics (formerly Invitae), Labcorp
Classification: Likely pathogenic for RYR1-related disorder. Last evaluated: 2021-07-02. Review status: criteria provided, single submitter. Criteria: Invitae Variant Classification Sherloc (09022015). Collection method: clinical testing. Allele origin: germline.
Comment: This variant has not been reported in the literature in individuals with RYR1-related conditions. This variant is not present in population databases (ExAC no frequency). This sequence change replaces arginine with cysteine at codon 4179 of the RYR1 protein (p.Arg4179Cys). The arginine residue is moderately conserved and there is a large physicochemical difference between arginine and cysteine. In summary, the available evidence is currently insufficient to determine the role of this variant in disease. Therefore, it has been classified as a Variant of Uncertain Significance. This variant disrupts the p.Arg4179 amino acid residue in RYR1. Other variant(s) that disrupt this residue have been determined to be pathogenic in association with autosomal recessive RYR1-related conditions (PMID: 21062345, 30232666, 30611313). This suggests that this residue is clinically significant, and that variants that disrupt this residue are likely to be disease-causing. Advanced modeling of protein sequence and biophysical properties (such as structural, functional, and spatial information, amino acid conservation, physicochemical variation, residue mobility, and thermodynamic stability) performed at Invitae indicates that this missense variant is expected to disrupt RYR1 protein function.

Literature cited by the submitters: PubMed 21062345; PubMed 30232666; PubMed 30611313.